The following is an entry in ClinVar:

NM_001329943.3(KIAA0586):c.2338A>G (p.Ile780Val)

Gene: KIAA0586 (KIAA0586; plus strand). Cytogenetic location: 14q23.1.
Variant type: single nucleotide variant.
Coding change: c.2338A>G on transcript NM_001329943.3 (MANE Select); coding-DNA position 2338, A replaced by G.
Protein change: p.Ile780Val; replaces isoleucine 780 with valine.
Molecular consequence: missense variant.
Genome position (GRCh38, 1-based): chr14:58,467,818, A>G. VCF-style: chr14-58467818-A-G. GRCh37 (hg19) VCF-style: chr14-58934536-A-G.
Other names: c.2497A>G, p.Ile833Val (NM_001244189.2); c.2293A>G, p.Ile765Val (NM_001244190.2); c.2083A>G, p.Ile695Val (NM_001244191.2, NM_001329945.2, NM_001364700.1 and 1 more transcripts); c.2206A>G, p.Ile736Val (NM_001244192.2); c.1918A>G, p.Ile640Val (NM_001244193.2); c.2338A>G, p.Ile780Val (NM_001329944.2, NM_001329946.2, NM_001329947.2); c.2110A>G, p.Ile704Val (NM_014749.5); short protein forms I640V, I780V, I704V, I736V, I833V, I695V, I765V.
Identifiers: ClinVar variation 1404073 (VCV001404073.5), dbSNP rs752597351, ClinGen allele CA7205845.

ClinVar aggregate classification (germline): Uncertain significance (1 of 4 stars; one submission).

Conditions:
Short-rib thoracic dysplasia 14 with polydactyly (SRTD14). Identifiers: Orphanet 397715, MedGen C4225286, MONDO:0014688, OMIM 616546.
Joubert syndrome 23 (JBTS23). Identifiers: Orphanet 475, MedGen C4084822, MONDO:0014664, OMIM 616490.

Allele frequency attached by ClinVar (database versions not stated): gnomAD exomes below 0.00001 and 0.00002; TOPMed 0.00001; ExAC 0.00002.
gnomAD v4.1: 6 of 1,613,654 alleles (0.00037%); highest among the groups gnomAD compares: East Asian, 0.0022%; no homozygotes.

Submission:

Labcorp Genetics (formerly Invitae), Labcorp
Classification: Uncertain significance for Joubert syndrome 23; Short-rib thoracic dysplasia 14 with polydactyly. Last evaluated: 2022-03-09. Review status: criteria provided, single submitter. Criteria: Invitae Variant Classification Sherloc (09022015). Collection method: clinical testing. Allele origin: germline.
Comment: In summary, the available evidence is currently insufficient to determine the role of this variant in disease. Therefore, it has been classified as a Variant of Uncertain Significance. Algorithms developed to predict the effect of missense changes on protein structure and function are either unavailable or do not agree on the potential impact of this missense change (SIFT: "Deleterious"; PolyPhen-2: "Benign"; Align-GVGD: "Class C0"). This variant has not been reported in the literature in individuals affected with KIAA0586-related conditions. This variant is present in population databases (rs752597351, gnomAD 0.004%). This sequence change replaces isoleucine, which is neutral and non-polar, with valine, which is neutral and non-polar, at codon 833 of the KIAA0586 protein (p.Ile833Val).